The following is an entry in ClinVar:

ClinVar aggregate classification (germline): Uncertain significance (1 of 4 stars; one submission).

Submission:

Labcorp Genetics (formerly Invitae), Labcorp
Classification: Uncertain significance. Last evaluated: 2021-04-29. Review status: criteria provided, single submitter. Criteria: Invitae Variant Classification Sherloc (09022015). Collection method: clinical testing. Allele origin: germline.
Comment: In summary, the available evidence is currently insufficient to determine the role of this variant in disease. Therefore, it has been classified as a Variant of Uncertain Significance. This variant has not been reported in the literature in individuals with TNNI3K-related conditions. This variant is a gross deletion of the genomic region encompassing exon(s) 3-5 of the TNNI3K gene. This deletion is out-of-frame, and is expected to create a premature translational stop signal and result in an absent or disrupted protein product. However, the current clinical and genetic evidence is not sufficient to establish whether loss-of-function variants in TNNI3K cause disease.

NC_000001.10:g.(?_74715123)_(74737412_?)del

Genes: FPGT-TNNI3K (FPGT-TNNI3K readthrough; plus strand), TNNI3K (TNNI3 interacting kinase; plus strand). Cytogenetic location: 1p31.1.
Variant type: Deletion.
Identifiers: ClinVar variation 1375870 (VCV001375870.6).